The following is an entry in ClinVar:

NM_005026.5(PIK3CD):c.2997G>A (p.Lys999=)

Gene: PIK3CD (phosphatidylinositol-4,5-bisphosphate 3-kinase catalytic subunit delta; plus strand). Cytogenetic location: 1p36.22.
Variant type: single nucleotide variant.
Coding change: c.2997G>A on transcript NM_005026.5 (MANE Select); coding-DNA position 2997, G replaced by A.
Protein change: p.Lys999=; no amino-acid change (lysine 999 retained).
Molecular consequence: synonymous variant.
Genome position (GRCh38, 1-based): chr1:9,724,936, G>A. VCF-style: chr1-9724936-G-A. GRCh37 (hg19) VCF-style: chr1-9784994-G-A.
Other names: c.2997G>A (LRG_191t1); c.2994G>A, p.Lys998= (NM_001350234.2); c.2910G>A, p.Lys970= (NM_001350235.1).
Identifiers: ClinVar variation 662314 (VCV000662314.11), dbSNP rs1463951620, ClinGen allele CA415875718.

ClinVar aggregate classification (germline): Uncertain significance. Review status: criteria provided, multiple submitters, no conflicts (2 of 4 stars). 3 submissions from 3 submitters: Uncertain significance (3). Last evaluated 2021-08-27.

Conditions:
Immunodeficiency 14 (IMD14A). Also called: p110-DELTA-ACTIVATING MUTATION CAUSING SENESCENT T CELLS, LYMPHADENOPATHY, AND IMMUNODEFICIENCY; IMMUNODEFICIENCY 14A WITH LYMPHOPROLIFERATION, AUTOSOMAL DOMINANT; ACTIVATED PI3K-DELTA SYNDROME 1; Activated PI3K Delta Syndrome Type 1 (APDS1). Identifiers: Orphanet 397596, Orphanet 693661, MedGen C5907821, MONDO:0014222, OMIM 615513.
Immunodeficiency 14b, autosomal recessive. Identifiers: MedGen C5543301, MONDO:0023655, OMIM 619281.

Allele frequency attached by ClinVar (database versions not stated): gnomAD exomes below 0.00001.
gnomAD v4.1: 1 of 1,613,680 alleles (0.000062%); highest among the groups gnomAD compares: Admixed American, 0.0017%; no homozygotes.

Submissions (3):

HudsonAlpha Institute for Biotechnology
Classification: Uncertain significance for Immunodeficiency 14b, autosomal recessive. Last evaluated: 2021-08-27. Review status: criteria provided, single submitter. Criteria: ACMG Guidelines, 2015. Collection method: research. Allele origin: maternal. Observed: 1 variant allele. Study: HudsonAlpha-AGHI-WGS.
Comment: ACMG codes: PM2, PP3

GeneDx
Classification: Uncertain significance. Last evaluated: 2019-09-06. Review status: criteria provided, single submitter. Criteria: GeneDx Variant Classification Process June 2021. Collection method: clinical testing. Allele origin: germline. Affected: yes.
Comment: Has not been previously published as pathogenic or benign to our knowledge; In-silico analysis, which includes splice predictors and evolutionary conservation, is inconclusive as to whether the variant alters gene splicing. In the absence of RNA/functional studies, the actual effect of this sequence change is unknown.

Labcorp Genetics (formerly Invitae), Labcorp
Classification: Uncertain significance for Activated PI3K-delta syndrome. Last evaluated: 2019-04-20. Review status: criteria provided, single submitter. Criteria: Invitae Variant Classification Sherloc (09022015). Collection method: clinical testing. Allele origin: germline.
Comment: This sequence change affects codon 999 of the PIK3CD mRNA. It is a 'silent' change, meaning that it does not change the encoded amino acid sequence of the PIK3CD protein. This variant also falls at the last nucleotide of exon 23 of the PIK3CD coding sequence, which is part of the consensus splice site for this exon. This variant is not present in population databases (ExAC no frequency). This variant has not been reported in the literature in individuals with PIK3CD-related disease. Nucleotide substitutions within the consensus splice site are a relatively common cause of aberrant splicing (PMID: 17576681, 9536098). Algorithms developed to predict the effect of sequence changes on RNA splicing suggest that this variant may disrupt the consensus splice site, but this prediction has not been confirmed by published transcriptional studies. In summary, the available evidence is currently insufficient to determine the role of this variant in disease. Therefore, it has been classified as a Variant of Uncertain Significance.

Literature cited by the submitters: PubMed 17576681 (cited by Labcorp Genetics (formerly Invitae), Labcorp); PubMed 9536098 (cited by Labcorp Genetics (formerly Invitae), Labcorp).